The following is an entry in ClinVar:

ClinVar aggregate classification (germline): Benign (1 of 4 stars; one submission).

Allele frequency attached by ClinVar (database versions not stated): 1000 Genomes Project 30x 0.07448; TOPMed 0.11881; gnomAD 0.12953 and 0.13270; 1000 Genomes Project 0.07428.

Submission:

GeneDx
Classification: Benign. Last evaluated: 2018-06-14. Review status: criteria provided, single submitter. Criteria: GeneDx Variant Classification (06012015). Collection method: clinical testing. Allele origin: germline. Affected: yes.
Comment: This variant is considered likely benign or benign based on one or more of the following criteria: it is a conservative change, it occurs at a poorly conserved position in the protein, it is predicted to be benign by multiple in silico algorithms, and/or has population frequency not consistent with disease.

NM_002887.4(RARS1):c.1347-171G>A

Gene: RARS1 (arginyl-tRNA synthetase 1; plus strand). Cytogenetic location: 5q34.
Variant type: single nucleotide variant.
Coding change: c.1347-171G>A on transcript NM_002887.4 (MANE Select); 171 bases into the intron before coding-DNA position 1347, G replaced by A.
Molecular consequence: intron variant.
Genome position (GRCh38, 1-based): chr5:168,510,410, G>A. VCF-style: chr5-168510410-G-A. GRCh37 (hg19) VCF-style: chr5-167937415-G-A.
Identifiers: ClinVar variation 669553 (VCV000669553.1), dbSNP rs2290628, ClinGen allele CA15368002.